The following is an entry in ClinVar:

ClinVar aggregate classification (germline): Uncertain significance. Review status: criteria provided, multiple submitters, no conflicts (2 of 4 stars). 2 submissions from 2 submitters: Uncertain significance (2). Last evaluated 2025-10-23.

Conditions:
Inborn genetic diseases. Identifiers: MedGen C0950123, MeSH D030342.

Allele frequency attached by ClinVar (database versions not stated): gnomAD 0.00001; TOPMed below 0.00001; ExAC 0.00001; gnomAD exomes 0.00004.
gnomAD v4.1: 23 of 1,613,818 alleles (0.0014%); highest among the groups gnomAD compares: East Asian, 0.051%; no homozygotes.

Submissions (2):

Ambry Genetics
Classification: Uncertain significance for Inborn genetic diseases. Last evaluated: 2025-10-23. Review status: criteria provided, single submitter. Criteria: Ambry Variant Classification Scheme 2023. Collection method: clinical testing. Allele origin: germline.

Labcorp Genetics (formerly Invitae), Labcorp
Classification: Uncertain significance. Last evaluated: 2022-06-22. Review status: criteria provided, single submitter. Criteria: Invitae Variant Classification Sherloc (09022015). Collection method: clinical testing. Allele origin: germline.
Comment: This sequence change replaces phenylalanine, which is neutral and non-polar, with cysteine, which is neutral and slightly polar, at codon 143 of the MYO7A protein (p.Phe143Cys). This variant is present in population databases (rs782103244, gnomAD 0.02%). This variant has not been reported in the literature in individuals affected with MYO7A-related conditions. Advanced modeling of protein sequence and biophysical properties (such as structural, functional, and spatial information, amino acid conservation, physicochemical variation, residue mobility, and thermodynamic stability) performed at Invitae indicates that this missense variant is not expected to disrupt MYO7A protein function. In summary, the available evidence is currently insufficient to determine the role of this variant in disease. Therefore, it has been classified as a Variant of Uncertain Significance.

NM_000260.4(MYO7A):c.428T>G (p.Phe143Cys)

Gene: MYO7A (myosin VIIA; plus strand). Cytogenetic location: 11q13.5.
Variant type: single nucleotide variant.
Coding change: c.428T>G on transcript NM_000260.4 (MANE Select); coding-DNA position 428, T replaced by G.
Protein change: p.Phe143Cys; replaces phenylalanine 143 with cysteine.
Molecular consequence: missense variant.
Genome position (GRCh38, 1-based): chr11:77,156,049, T>G. VCF-style: chr11-77156049-T-G. GRCh37 (hg19) VCF-style: chr11-76867095-T-G.
Other names: c.428T>G, p.Phe143Cys (NM_001127180.2); c.395T>G, p.Phe132Cys (NM_001369365.1); c.428T>G (NM_000260.3); short protein forms F143C, F132C.
Identifiers: ClinVar variation 2140414 (VCV002140414.2), dbSNP rs782103244, ClinGen allele CA6197124.